The following is an entry in ClinVar:

ClinVar aggregate classification (germline): Uncertain significance. Review status: criteria provided, multiple submitters, no conflicts (2 of 4 stars). 2 submissions from 2 submitters: Uncertain significance (2). Last evaluated 2024-03-22.

Conditions:
Hereditary cancer-predisposing syndrome. Also called: Tumor predisposition; Hereditary Cancer Syndrome; Hereditary neoplastic syndrome; Neoplastic Syndromes, Hereditary. Identifiers: Orphanet 140162, MedGen C0027672, MeSH D009386, MONDO:0015356.

gnomAD v4.1: 9 of 1,613,534 alleles (0.00056%); highest among the groups gnomAD compares: Non-Finnish European, 0.00076%; no homozygotes.

Submissions (2):

Ambry Genetics
Classification: Uncertain significance for Hereditary cancer-predisposing syndrome. Last evaluated: 2024-03-22. Review status: criteria provided, single submitter. Criteria: Ambry Variant Classification Scheme 2023. Collection method: clinical testing. Allele origin: germline.
Comment: The p.S650N variant (also known as c.1949G>A), located in coding exon 6 of the MET gene, results from a G to A substitution at nucleotide position 1949. The serine at codon 650 is replaced by asparagine, an amino acid with highly similar properties. This amino acid position is conserved. In addition, this alteration is predicted to be tolerated by in silico analysis. Based on the available evidence, the clinical significance of this alteration remains unclear.

Blueprint Genetics
Classification: Uncertain significance. Last evaluated: 2018-11-20. Review status: criteria provided, single submitter. Criteria: ACMG Guidelines, 2015. Collection method: clinical testing. Allele origin: germline.

NM_000245.4(MET):c.1949G>A (p.Ser650Asn)

Gene: MET (MET proto-oncogene, receptor tyrosine kinase; plus strand). Cytogenetic location: 7q31.2.
Variant type: single nucleotide variant.
Coding change: c.1949G>A on transcript NM_000245.4 (MANE Select); coding-DNA position 1949, G replaced by A.
Protein change: p.Ser650Asn; replaces serine 650 with asparagine.
Molecular consequence: missense variant.
Genome position (GRCh38, 1-based): chr7:116,757,523, G>A. VCF-style: chr7-116757523-G-A. GRCh37 (hg19) VCF-style: chr7-116397577-G-A.
Other names: c.1949G>A, p.Ser650Asn (NM_001127500.3, NM_001324401.3); c.659G>A, p.Ser220Asn (NM_001324402.2); short protein forms S220N, S650N.
Identifiers: ClinVar variation 3294322 (VCV003294322.2).